The following is an entry in ClinVar:

ClinVar aggregate classification (germline): Uncertain significance. Review status: criteria provided, multiple submitters, no conflicts (2 of 4 stars). 2 submissions from 2 submitters: Uncertain significance (2). Last evaluated 2026-01-05.

Conditions:
3-methylcrotonyl-CoA carboxylase 1 deficiency (MCC1D). Also called: MCC 1 deficiency; 3 Alpha methylcrotonylglycinuria 1; MCCD TYPE 1; METHYLCROTONYLGLYCINURIA TYPE I. Identifiers: Orphanet 6, MedGen CN028786, MONDO:0008861, OMIM 210200.

Allele frequency attached by ClinVar (database versions not stated): TOPMed 0.00001; gnomAD 0.00003; gnomAD exomes 0.00006; ExAC 0.00007.
gnomAD v4.1: 69 of 1,613,822 alleles (0.0043%); highest among the groups gnomAD compares: Non-Finnish European, 0.0055%; no homozygotes.

Submissions (2):

Labcorp Genetics (formerly Invitae), Labcorp
Classification: Uncertain significance for 3-methylcrotonyl-CoA carboxylase 1 deficiency. Last evaluated: 2026-01-05. Review status: criteria provided, single submitter. Criteria: Invitae Variant Classification Sherloc (09022015). Collection method: clinical testing. Allele origin: germline.
Comment: This sequence change replaces methionine, which is neutral and non-polar, with threonine, which is neutral and polar, at codon 522 of the MCCC1 protein (p.Met522Thr). This variant is present in population databases (rs768011454, gnomAD 0.009%). This variant has not been reported in the literature in individuals affected with MCCC1-related conditions. ClinVar contains an entry for this variant (Variation ID: 902247). Invitae Evidence Modeling of protein sequence and biophysical properties (such as structural, functional, and spatial information, amino acid conservation, physicochemical variation, residue mobility, and thermodynamic stability) indicates that this missense variant is not expected to disrupt MCCC1 protein function with a negative predictive value of 80%. In summary, the available evidence is currently insufficient to determine the role of this variant in disease. Therefore, it has been classified as a Variant of Uncertain Significance.

Illumina Laboratory Services, Illumina
Classification: Uncertain significance for 3-methylcrotonyl-CoA carboxylase 1 deficiency. Last evaluated: 2018-01-12. Review status: criteria provided, single submitter. Criteria: ICSL Variant Classification Criteria 13 December 2019. Collection method: clinical testing. Allele origin: germline.

NM_020166.5(MCCC1):c.1565T>C (p.Met522Thr)

Gene: MCCC1 (methylcrotonyl-CoA carboxylase subunit 1; minus strand). Cytogenetic location: 3q27.1.
Variant type: single nucleotide variant.
Coding change: c.1565T>C on transcript NM_020166.5 (MANE Select); coding-DNA position 1565, T replaced by C.
Protein change: p.Met522Thr; replaces methionine 522 with threonine.
Molecular consequence: missense variant. On other transcripts: non-coding transcript variant (1).
Genome position (GRCh38, 1-based): chr3:183,037,247, A>G on the plus strand (T>C on the coding strand, the complement: MCCC1 is on the minus strand). VCF-style: chr3-183037247-A-G. GRCh37 (hg19) VCF-style: chr3-182755035-A-G.
Other names: c.1214T>C, p.Met405Thr (NM_001293273.2); c.1238T>C, p.Met413Thr (NM_001363880.1); short protein forms M405T, M413T, M522T.
Identifiers: ClinVar variation 902247 (VCV000902247.9), dbSNP rs768011454, ClinGen allele CA2718749.
Genomic context (GRCh38, chr3:183,037,247, plus strand): 5'-CAAGCAGAGGAAAGAGAAAAGCCTTCCATACCATGTGCCTGAAGAGTGAAAGTGTCGGTC[A>G]TGGCTTTCTCCTTGAGGATGAGACCCAGGGCTGCCTGGCATAAAGACTCTTTGGCTGCAG-3'
Protein context (NP_064551.3, residues 512-532): ALGLILKEKA[Met522Thr]TDTFTLQAHD